The following is an entry in ClinVar:

ClinVar aggregate classification (germline): Uncertain significance. Review status: criteria provided, multiple submitters, no conflicts (2 of 4 stars). 2 submissions from 2 submitters: Uncertain significance (2). Last evaluated 2026-07-06.

Conditions:
Hereditary cancer-predisposing syndrome. Also called: Hereditary Cancer Syndrome; Tumor predisposition; Neoplastic Syndromes, Hereditary; Hereditary neoplastic syndrome. Identifiers: Orphanet 140162, MedGen C0027672, MeSH D009386, MONDO:0015356.
Tuberous sclerosis 1 (TSC1). Identifiers: Orphanet 805, MedGen C1854465, MONDO:0008612, OMIM 191100.

Submissions (2):

Ambry Genetics
Classification: Uncertain significance for Hereditary cancer-predisposing syndrome. Last evaluated: 2026-07-06. Review status: criteria provided, single submitter. Criteria: Ambry Variant Classification Scheme 2023. Collection method: clinical testing. Allele origin: germline.
Comment: The p.A562V variant (also known as c.1685C>T), located in coding exon 13 of the TSC1 gene, results from a C to T substitution at nucleotide position 1685. The alanine at codon 562 is replaced by valine, an amino acid with similar properties. This amino acid position is conserved. In addition, this alteration is predicted to be tolerated by in silico analysis. Based on the available evidence, the clinical significance of this variant remains unclear.

Labcorp Genetics (formerly Invitae), Labcorp
Classification: Uncertain significance for Tuberous sclerosis 1. Last evaluated: 2023-06-02. Review status: criteria provided, single submitter. Criteria: Invitae Variant Classification Sherloc (09022015). Collection method: clinical testing. Allele origin: germline.
Comment: In summary, the available evidence is currently insufficient to determine the role of this variant in disease. Therefore, it has been classified as a Variant of Uncertain Significance. Advanced modeling of protein sequence and biophysical properties (such as structural, functional, and spatial information, amino acid conservation, physicochemical variation, residue mobility, and thermodynamic stability) performed at Invitae indicates that this missense variant is not expected to disrupt TSC1 protein function. ClinVar contains an entry for this variant (Variation ID: 1471280). This variant has not been reported in the literature in individuals affected with TSC1-related conditions. This variant is not present in population databases (gnomAD no frequency). This sequence change replaces alanine, which is neutral and non-polar, with valine, which is neutral and non-polar, at codon 562 of the TSC1 protein (p.Ala562Val).

NM_000368.5(TSC1):c.1685C>T (p.Ala562Val)

Gene: TSC1 (TSC complex subunit 1; minus strand). Cytogenetic location: 9q34.13.
Variant type: single nucleotide variant.
Coding change: c.1685C>T on transcript NM_000368.5 (MANE Select); coding-DNA position 1685, C replaced by T.
Protein change: p.Ala562Val; replaces alanine 562 with valine.
Molecular consequence: missense variant.
Genome position (GRCh38, 1-based): chr9:132,905,893, G>A on the plus strand (C>T on the coding strand, the complement: TSC1 is on the minus strand). VCF-style: chr9-132905893-G-A. GRCh37 (hg19) VCF-style: chr9-135781280-G-A.
Other names: c.1682C>T, p.Ala561Val (NM_001162426.2); c.1532C>T, p.Ala511Val (NM_001162427.2); c.1322C>T, p.Ala441Val (NM_001362177.2); c.1685C>T (NM_000368.4); short protein forms A441V, A561V, A511V, A562V.
Identifiers: ClinVar variation 1471280 (VCV001471280.9), dbSNP rs377185303, ClinGen allele CA375364216.
Genomic context (GRCh38, chr9:132,905,893, plus strand): 5'-GTGAAGATACTGGTCTCCAAAGAAGTCTGGCATTCCCTGTCTCCCGCAGGGCTTTCATCA[G>A]CACTGCCGCAGGGCAGGTCTATGGGAGTAAAGGCTTGCTTTGGTGTGTCAGGCCCAAGCT-3'
Protein context (NP_000359.1, residues 552-572): FTPIDLPCGS[Ala562Val]DESPAGDREC